The following is an entry in ClinVar:

NM_003244.4(TGIF1):c.16+1723T>C

Gene: TGIF1 (TGFB induced factor homeobox 1; plus strand). Cytogenetic location: 18p11.31.
Variant type: single nucleotide variant.
Coding change: c.16+1723T>C on transcript NM_003244.4 (MANE Select); 1723 bases into the intron after coding-DNA position 16, T replaced by C.
Molecular consequence: intron variant. On other transcripts: 5 prime UTR variant (1).
Genome position (GRCh38, 1-based): chr18:3,452,228, T>C. VCF-style: chr18-3452228-T-C. GRCh37 (hg19) VCF-style: chr18-3452226-T-C.
Other names: c.-199T>C (NM_170695.5); c.-44-4126T>C (NM_174886.3, NM_001278686.3); c.59-4126T>C (NM_173207.4); c.-45+3689T>C (NM_001374396.1); c.25+2572T>C (NM_001278682.2); c.16+1723T>C (NM_173208.3, NM_001278684.2); c.-45+2158T>C (NM_173209.3); c.-45+453T>C (NM_173210.4); and 1 more.
Identifiers: ClinVar variation 2648529 (VCV002648529.24), dbSNP rs1002110854, ClinGen allele CA295564059.

ClinVar aggregate classification (germline): Likely benign (1 of 4 stars; one submission).

Submission:

CeGaT Center for Human Genetics Tuebingen
Classification: Likely benign. Last evaluated: 2022-08-01. Review status: criteria provided, single submitter. Criteria: CeGaT Center For Human Genetics Tuebingen Variant Classification Criteria Version 2. Collection method: clinical testing. Allele origin: germline. Affected: yes. Observed: 1 variant allele.
Comment: TGIF1: BP4, BP7